The following is an entry in ClinVar:

NM_006206.6(PDGFRA):c.2408C>T (p.Ala803Val)

Gene: PDGFRA (platelet derived growth factor receptor alpha; plus strand). Cytogenetic location: 4q12.
Variant type: single nucleotide variant.
Coding change: c.2408C>T on transcript NM_006206.6 (MANE Select); coding-DNA position 2408, C replaced by T.
Protein change: p.Ala803Val; replaces alanine 803 with valine.
Molecular consequence: missense variant.
Genome position (GRCh38, 1-based): chr4:54,285,455, C>T. VCF-style: chr4-54285455-C-T. GRCh37 (hg19) VCF-style: chr4-55151622-C-T.
Other names: c.2483C>T, p.Ala828Val (NM_001347828.2); c.2408C>T, p.Ala803Val (NM_001347829.2); c.2447C>T, p.Ala816Val (NM_001347830.2); short protein forms A828V, A803V, A816V.
Identifiers: ClinVar variation 3653444 (VCV003653444.2).

ClinVar aggregate classification (germline): Uncertain significance (1 of 4 stars; one submission).

Conditions:
Gastrointestinal stromal tumor. Also called: Gastrointestinal stromal tumor, somatic; Gastrointestinal stroma tumor. Identifiers: Orphanet 44890, MedGen C0238198, MeSH D046152, MONDO:0011719, OMIM 606764, HP:0100723.

Submission:

Labcorp Genetics (formerly Invitae), Labcorp
Classification: Uncertain significance for Gastrointestinal stromal tumor. Last evaluated: 2024-05-15. Review status: criteria provided, single submitter. Criteria: Invitae Variant Classification Sherloc (09022015). Collection method: clinical testing. Allele origin: germline.
Comment: This sequence change replaces alanine, which is neutral and non-polar, with valine, which is neutral and non-polar, at codon 803 of the PDGFRA protein (p.Ala803Val). This variant is not present in population databases (gnomAD no frequency). This variant has not been reported in the literature in individuals affected with PDGFRA-related conditions. Advanced modeling of protein sequence and biophysical properties (such as structural, functional, and spatial information, amino acid conservation, physicochemical variation, residue mobility, and thermodynamic stability) has been performed at Invitae for this missense variant, however the output from this modeling did not meet the statistical confidence thresholds required to predict the impact of this variant on PDGFRA protein function. In summary, the available evidence is currently insufficient to determine the role of this variant in disease. Therefore, it has been classified as a Variant of Uncertain Significance.